The following is an entry in ClinVar:

NM_005548.3(KARS1):c.1013G>C (p.Cys338Ser)

Gene: KARS1 (lysyl-tRNA synthetase 1; minus strand). Cytogenetic location: 16q23.1.
Variant type: single nucleotide variant.
Coding change: c.1013G>C on transcript NM_005548.3 (MANE Select); coding-DNA position 1013, G replaced by C.
Protein change: p.Cys338Ser; replaces cysteine 338 with serine.
Molecular consequence: missense variant.
Genome position (GRCh38, 1-based): chr16:75,631,758, C>G on the plus strand (G>C on the coding strand, the complement: KARS1 is on the minus strand). VCF-style: chr16-75631758-C-G. GRCh37 (hg19) VCF-style: chr16-75665656-C-G.
Other names: c.1097G>C, p.Cys366Ser (NM_001130089.2); c.545G>C, p.Cys182Ser (NM_001378148.1); short protein forms C182S, C338S, C366S.
Identifiers: ClinVar variation 1682426 (VCV001682426.6), dbSNP rs1368396069, ClinGen allele CA396812119.
Genomic context (GRCh38, chr16:75,631,758, plus strand): 5'-ACCATCTTCTCCGTGATTTCCATGAGATCGTGATAGTCTGCATAGGCCATGTAGAACTCA[C>G]AGGTGGTGAACTCAGGATTGTGCGTCAAATCAATCCCCTCATTCCGGAACTGGCGTCCAA-3'
Protein context (NP_005539.1, residues 328-348): DLTHNPEFTT[Cys338Ser]EFYMAYADYH

ClinVar aggregate classification (germline): Uncertain significance (1 of 4 stars; one submission).

Allele frequency attached by ClinVar (database versions not stated): gnomAD exomes below 0.00001 and 0.00001; gnomAD 0.00003.
gnomAD v4.1: 13 of 1,614,078 alleles (0.00081%); highest among the groups gnomAD compares: Non-Finnish European, 0.00085%; no homozygotes.

Submission:

Labcorp Genetics (formerly Invitae), Labcorp
Classification: Uncertain significance. Last evaluated: 2023-11-10. Review status: criteria provided, single submitter. Criteria: Invitae Variant Classification Sherloc (09022015). Collection method: clinical testing. Allele origin: germline.
Comment: This sequence change replaces cysteine, which is neutral and slightly polar, with serine, which is neutral and polar, at codon 366 of the KARS protein (p.Cys366Ser). This variant is present in population databases (no rsID available, gnomAD 0.004%). This missense change has been observed in individual(s) with deafness (PMID: 31850270). ClinVar contains an entry for this variant (Variation ID: 1682426). Advanced modeling of protein sequence and biophysical properties (such as structural, functional, and spatial information, amino acid conservation, physicochemical variation, residue mobility, and thermodynamic stability) performed at Invitae indicates that this missense variant is expected to disrupt KARS protein function with a positive predictive value of 80%. In summary, the available evidence is currently insufficient to determine the role of this variant in disease. Therefore, it has been classified as a Variant of Uncertain Significance.

Literature cited by the submitters: PubMed 31850270.